The following is an entry in ClinVar:

ClinVar aggregate classification (germline): Uncertain significance (1 of 4 stars; one submission).

Submission:

OLLIN Analises Genomicas, OLLIN
Classification: Uncertain significance. Last evaluated: 2026-08-06. Review status: criteria provided, single submitter. Criteria: ACMG Guidelines 2015 PMID 25741868. Collection method: clinical testing. Allele origin: germline.
Comment: This missense variant, located in exon 45 (of 79), is absent from gnomAD and ClinVar and has not been identified in the literature. In silico analysis predicts that this variant has a tolerated effect. According to the currently available evidence, this variant has been classified as uncertain significance (PM2_P, BP4).

NM_004525.3(LRP2):c.8489A>C (p.His2830Pro)

Gene: LRP2 (LDL receptor related protein 2; minus strand). Cytogenetic location: 2q31.1.
Variant type: single nucleotide variant.
Coding change: c.8489A>C on transcript NM_004525.3 (MANE Select); coding-DNA position 8489, A replaced by C.
Protein change: p.His2830Pro; replaces histidine 2830 with proline.
Molecular consequence: missense variant.
Genome position (GRCh38, 1-based): chr2:169,198,875, T>G on the plus strand (A>C on the coding strand, the complement: LRP2 is on the minus strand). VCF-style: chr2-169198875-T-G. GRCh37 (hg19) VCF-style: chr2-170055385-T-G.
Other names: short protein forms H2830P.
Identifiers: ClinVar variation 5003181 (VCV005003181.1).